The following is an entry in ClinVar:

NM_003072.5(SMARCA4):c.631C>T (p.Pro211Ser)

Gene: SMARCA4 (SWI/SNF related BAF chromatin remodeling complex subunit ATPase 4; plus strand). Cytogenetic location: 19p13.2.
Variant type: single nucleotide variant.
Coding change: c.631C>T on transcript NM_003072.5 (MANE Select); coding-DNA position 631, C replaced by T.
Protein change: p.Pro211Ser; replaces proline 211 with serine.
Molecular consequence: missense variant. On other transcripts: non-coding transcript variant (1).
Genome position (GRCh38, 1-based): chr19:10,986,464, C>T. VCF-style: chr19-10986464-C-T. GRCh37 (hg19) VCF-style: chr19-11097140-C-T.
Other names: c.631C>T, p.Pro211Ser (NM_001128844.3, NM_001128845.2, NM_001128846.2 and 5 more transcripts); short protein forms P211S.
Identifiers: ClinVar variation 1353898 (VCV001353898.8), dbSNP rs2145781120, ClinGen allele CA404056692.

ClinVar aggregate classification (germline): Uncertain significance (1 of 4 stars; one submission).

Conditions:
Rhabdoid tumor predisposition syndrome 2 (RTPS2). Identifiers: Orphanet 231108, Orphanet 69077, MedGen C2750074, MONDO:0013224, OMIM 613325.

Submission:

Labcorp Genetics (formerly Invitae), Labcorp
Classification: Uncertain significance for Rhabdoid tumor predisposition syndrome 2. Last evaluated: 2021-05-16. Review status: criteria provided, single submitter. Criteria: Invitae Variant Classification Sherloc (09022015). Collection method: clinical testing. Allele origin: germline.
Comment: This variant is not present in population databases (ExAC no frequency). In summary, the available evidence is currently insufficient to determine the role of this variant in disease. Therefore, it has been classified as a Variant of Uncertain Significance. Algorithms developed to predict the effect of missense changes on protein structure and function (SIFT, PolyPhen-2, Align-GVGD) all suggest that this variant is likely to be disruptive, but these predictions have not been confirmed by published functional studies and their clinical significance is uncertain. This variant has not been reported in the literature in individuals with SMARCA4-related conditions. This sequence change replaces proline with serine at codon 211 of the SMARCA4 protein (p.Pro211Ser). The proline residue is highly conserved and there is a moderate physicochemical difference between proline and serine.